The following is an entry in ClinVar:

NM_000202.8(IDS):c.811A>T (p.Arg271Trp)

Genes: IDS (iduronate 2-sulfatase; minus strand), LOC106050102 (IDS recombination region; plus strand). Cytogenetic location: Xq28.
Variant type: single nucleotide variant.
Coding change: c.811A>T on transcript NM_000202.8 (MANE Select); coding-DNA position 811, A replaced by T.
Protein change: p.Arg271Trp; replaces arginine 271 with tryptophan.
Molecular consequence: missense variant. On other transcripts: non-coding transcript variant (1).
Genome position (GRCh38, 1-based): chrX:149,496,414, T>A on the plus strand (A>T on the coding strand, the complement: IDS is on the minus strand). VCF-style: chrX-149496414-T-A. GRCh37 (hg19) VCF-style: chrX-148577945-T-A.
Other names: c.541A>T, p.Arg181Trp (NM_001166550.4); c.811A>T, p.Arg271Trp (NM_006123.5); short protein forms R271W, R181W.
Identifiers: ClinVar variation 638082 (VCV000638082.3), dbSNP rs1602740912, ClinGen allele CA414521886.

ClinVar aggregate classification (germline): Likely pathogenic (1 of 4 stars; one submission).

Conditions:
Mucopolysaccharidosis, MPS-II (MPS2). Also called: IDS deficiency; Sulfoiduronate sulfatase deficiency; SIDS deficiency; Mucopolysaccharidosis type 2; Attenuated MPS (subtype; formerly known as mild MPS II); Severe MPS II. Identifiers: Orphanet 580, Orphanet 79388, MedGen C0026705, MONDO:0010674, OMIM 309900.

Submission:

Laboratory of Diagnosis and Therapy of Lysosomal Disorders, University of Padova
Classification: Likely pathogenic for Mucopolysaccharidosis, MPS-II. Last evaluated: 2024-06-07. Review status: criteria provided, single submitter. Criteria: ACMG Guidelines, 2015. Collection method: literature only. Allele origin: germline. Affected: yes. Observed: 1 variant allele.
Comment: Absent from controls (or at low frequency) in gnomAD database (PM2_Moderate), Missense variant in a gene with a low rate of benign missense variation (PP2_Supporting), Multiple lines of computational evidence support a deleterious effect (PP3_Supporting), Patient’s phenotype or family history highly specific for the disease (PP4_Strong)

Classification method: ACMG Guidelines [PMID:25741868] with modifications

Literature cited by the submitters: PubMed 30809705.